The following is an entry in ClinVar:

NM_000312.4(PROC):c.1296C>A (p.Tyr432Ter)

Gene: PROC (protein C, inactivator of coagulation factors Va and VIIIa; plus strand). Cytogenetic location: 2q14.3.
Variant type: single nucleotide variant.
Coding change: c.1296C>A on transcript NM_000312.4 (MANE Select); coding-DNA position 1296, C replaced by A.
Protein change: p.Tyr432Ter; replaces tyrosine 432 with a stop codon.
Molecular consequence: nonsense.
Genome position (GRCh38, 1-based): chr2:127,428,856, C>A. VCF-style: chr2-127428856-C-A. GRCh37 (hg19) VCF-style: chr2-128186432-C-A.
Other names: c.1479C>A, p.Tyr493Ter (NM_001375602.1); c.1461C>A, p.Tyr487Ter (NM_001375603.1); c.1359C>A, p.Tyr453Ter (NM_001375604.1); c.1398C>A, p.Tyr466Ter (NM_001375605.1); c.1464C>A, p.Tyr488Ter (NM_001375606.1); c.1482C>A, p.Tyr494Ter (NM_001375607.1); c.1239C>A, p.Tyr413Ter (NM_001375608.1); c.1272C>A, p.Tyr424Ter (NM_001375609.1); and 2 more; short protein forms Y430*, Y413*, Y453*, Y466*, Y488*, Y493*, Y494*, Y424*.
Identifiers: ClinVar variation 4691956 (VCV004691956.1).

ClinVar aggregate classification (germline): Uncertain significance (1 of 4 stars; one submission).

Conditions:
Thrombophilia due to protein C deficiency, autosomal dominant. Also called: PROC DEFICIENCY, AUTOSOMAL DOMINANT; PROTEIN C DEFICIENCY, AUTOSOMAL DOMINANT. Identifiers: Orphanet 745, MedGen C2674321, MONDO:0008316, OMIM 176860. Disease mechanism: loss of function.

Submission:

Labcorp Genetics (formerly Invitae), Labcorp
Classification: Uncertain significance for Thrombophilia due to protein C deficiency, autosomal dominant. Last evaluated: 2025-04-17. Review status: criteria provided, single submitter. Criteria: Invitae Variant Classification Sherloc (09022015). Collection method: clinical testing. Allele origin: germline.
Comment: This sequence change creates a premature translational stop signal (p.Tyr432*) in the PROC gene. While this is not anticipated to result in nonsense mediated decay, it is expected to disrupt the last 30 amino acid(s) of the PROC protein. This variant is not present in population databases (gnomAD no frequency). This variant has not been reported in the literature in individuals affected with PROC-related conditions. Algorithms developed to predict the effect of sequence changes on RNA splicing suggest that this variant may create or strengthen a splice site. This variant disrupts a region of the PROC protein in which other variant(s) (p.Gly433Ser) have been observed in individuals with PROC-related conditions (internal data). This suggests that this is a clinically significant region of the protein, and that variants that disrupt it are likely to be disease-causing. In summary, the available evidence is currently insufficient to determine the role of this variant in disease. Therefore, it has been classified as a Variant of Uncertain Significance.